The following is an entry in ClinVar:

ClinVar aggregate classification (germline): Uncertain significance. Review status: criteria provided, multiple submitters, no conflicts (2 of 4 stars). 2 submissions from 2 submitters: Uncertain significance (2). Last evaluated 2024-10-27.

Conditions:
Inborn genetic diseases. Identifiers: MedGen C0950123, MeSH D030342.

Allele frequency attached by ClinVar (database versions not stated): ExAC 0.00001; gnomAD exomes 0.00001.
gnomAD v4.1: 16 of 1,613,378 alleles (0.00099%); highest among the groups gnomAD compares: Admixed American, 0.0033%; no homozygotes.

Submissions (2):

Labcorp Genetics (formerly Invitae), Labcorp
Classification: Uncertain significance. Last evaluated: 2024-10-27. Review status: criteria provided, single submitter. Criteria: Invitae Variant Classification Sherloc (09022015). Collection method: clinical testing. Allele origin: germline.
Comment: This sequence change replaces alanine, which is neutral and non-polar, with valine, which is neutral and non-polar, at codon 2355 of the CHD8 protein (p.Ala2355Val). The frequency data for this variant in the population databases is considered unreliable, as metrics indicate poor data quality at this position in the gnomAD database. This variant has not been reported in the literature in individuals affected with CHD8-related conditions. ClinVar contains an entry for this variant (Variation ID: 2465538). Invitae Evidence Modeling of protein sequence and biophysical properties (such as structural, functional, and spatial information, amino acid conservation, physicochemical variation, residue mobility, and thermodynamic stability) indicates that this missense variant is not expected to disrupt CHD8 protein function with a negative predictive value of 95%. In summary, the available evidence is currently insufficient to determine the role of this variant in disease. Therefore, it has been classified as a Variant of Uncertain Significance.

Ambry Genetics
Classification: Uncertain significance for Inborn genetic diseases. Last evaluated: 2023-02-06. Review status: criteria provided, single submitter. Criteria: Ambry Variant Classification Scheme 2023. Collection method: clinical testing. Allele origin: germline.

NM_001170629.2(CHD8):c.7064C>T (p.Ala2355Val)

Genes: CHD8 (chromodomain helicase DNA binding protein 8; minus strand), LOC126861888 (CDK7 strongly-dependent group 2 enhancer GRCh37_chr14:21859227-21860426; plus strand). Cytogenetic location: 14q11.2.
Variant type: single nucleotide variant.
Coding change: c.7064C>T on transcript NM_001170629.2 (MANE Select); coding-DNA position 7064, C replaced by T.
Protein change: p.Ala2355Val; replaces alanine 2355 with valine.
Molecular consequence: missense variant.
Genome position (GRCh38, 1-based): chr14:21,391,464, G>A on the plus strand (C>T on the coding strand, the complement: CHD8 is on the minus strand). VCF-style: chr14-21391464-G-A. GRCh37 (hg19) VCF-style: chr14-21859623-G-A.
Other names: c.6227C>T, p.Ala2076Val (NM_020920.4); short protein forms A2355V, A2076V.
Identifiers: ClinVar variation 2465538 (VCV002465538.5), dbSNP rs752792676, ClinGen allele CA7090620.